The following is an entry in ClinVar:

NC_000004.11:g.(?_16188138)_(16189998_?)dup

Gene: TAPT1 (transmembrane anterior posterior transformation 1; minus strand). Cytogenetic location: 4p15.32.
Variant type: Duplication.
Identifiers: ClinVar variation 2427430 (VCV002427430.4).

ClinVar aggregate classification (germline): Likely pathogenic (1 of 4 stars; one submission).

Submission:

Labcorp Genetics (formerly Invitae), Labcorp
Classification: Likely pathogenic. Last evaluated: 2022-03-13. Review status: criteria provided, single submitter. Criteria: Invitae Variant Classification Sherloc (09022015). Collection method: clinical testing. Allele origin: germline.
Comment: In summary, the currently available evidence indicates that the variant is pathogenic, but additional data are needed to prove that conclusively. Therefore, this variant has been classified as Likely Pathogenic. This variant has not been reported in the literature in individuals affected with TAPT1-related conditions. This variant results in a copy number gain of the genomic region encompassing exon(s) 5-7 of the TAPT1 gene. While the exact position of this variant cannot be determined from the data, sub-genic copy number gains are generally in tandem (PMID: 25640679). This variant is predicted to be out-of-frame, and may result in an absent or disrupted protein product. Loss-of-function variants in TAPT1 are known to be pathogenic (PMID: 26365339, 32058062).

Literature cited by the submitters: PubMed 25640679; PubMed 26365339; PubMed 32058062.